The following is an entry in ClinVar:

ClinVar aggregate classification (germline): Benign (1 of 4 stars; one submission).

Allele frequency attached by ClinVar (database versions not stated): gnomAD exomes 0.12296; ESP Exome Variant Server 0.22887; gnomAD 0.23248; TOPMed 0.25236; 1000 Genomes Project 0.25719; 1000 Genomes Project 30x 0.26093.
gnomAD v4.1: 198,311 of 1,466,900 alleles (14%); highest among the groups gnomAD compares: African/African-American, 52%; 19,999 homozygotes.

Submission:

Unidad de Genómica Garrahan, Hospital de Pediatría Garrahan
Classification: Benign. Last evaluated: 2024-01-24. Review status: criteria provided, single submitter. Criteria: ACMG Guidelines, 2015. Collection method: clinical testing. Allele origin: germline. Affected: no. Observed: 27 variant alleles.
Comment: This variant is classified as Benign based on local population frequency. This variant was detected in 28% of patients studied by a panel of primary immunodeficiencies. Number of patients: 27. Only high quality variants are reported.

NM_016128.4(COPG1):c.1843+56T>A

Gene: COPG1 (COPI coat complex subunit gamma 1; plus strand). Cytogenetic location: 3q21.3.
Variant type: single nucleotide variant.
Coding change: c.1843+56T>A on transcript NM_016128.4 (MANE Select); 56 bases into the intron after coding-DNA position 1843, T replaced by A.
Molecular consequence: intron variant.
Genome position (GRCh38, 1-based): chr3:129,269,056, T>A. VCF-style: chr3-129269056-T-A. GRCh37 (hg19) VCF-style: chr3-128987899-T-A.
Identifiers: ClinVar variation 2688269 (VCV002688269.2), dbSNP rs10934876, ClinGen allele CA15259084.
Genomic context (GRCh38, chr3:129,269,056, plus strand): 5'-CCAGGGTGAGTCACAGTGGTTGGGGGATGCTTGGGACCTGGGCTTAGTTTCCTCAGGGGG[T>A]TCAAGAGTAAGAACTGTCATATATTGGTCTCTCCTGAGTGCTAGGCCCTTGAGATGCTTT-3'